The following is an entry in ClinVar:

ClinVar aggregate classification (germline): Conflicting classifications of pathogenicity. Review status: criteria provided, conflicting classifications (1 of 4 stars). 7 submissions from 7 submitters: Likely pathogenic (3); Uncertain significance (4). Last evaluated 2025-11-11.

Conditions:
Inborn genetic diseases. Identifiers: MedGen C0950123, MeSH D030342.
Isovaleryl-CoA dehydrogenase deficiency (IVA). Also called: Classic Isovaleric Acidemia; IVD DEFICIENCY; ISOVALERIC ACID CoA DEHYDROGENASE DEFICIENCY; Isovaleric acidemia. Identifiers: Orphanet 33, MedGen C0268575, MONDO:0009475, OMIM 243500.

Submissions (7):

Natera, Inc.
Classification: Likely pathogenic for Isovaleryl-coa dehydrogenase deficiency. Last evaluated: 2025-11-11. Review status: criteria provided, single submitter. Criteria: Natera Variant Classification Schema (03/2026). Collection method: clinical testing. Allele origin: germline.
Comment: The c.476_478dupGTG variant in IVD is an in-frame insertion. This variant is rare in the general population with a frequency below the threshold expected for the associated phenotype(s). This variant has been observed in one or more individuals affected with the associated recessive disease, as either homozygous or compound heterozygous with a second variant (PMID: 31707166). This variant results in a change to the protein length while preserving reading frame, which may disrupt normal protein structure or function. Computational prediction algorithms indicate this variant is likely to affect gene or protein function. Given the available evidence, this variant is classified as Likely Pathogenic.

Labcorp Genetics (formerly Invitae), Labcorp
Classification: Uncertain significance for Isovaleryl-CoA dehydrogenase deficiency. Last evaluated: 2024-07-17. Review status: criteria provided, single submitter. Criteria: Invitae Variant Classification Sherloc (09022015). Collection method: clinical testing. Allele origin: germline.
Comment: This variant, c.476_478dup, results in the insertion of 1 amino acid(s) of the IVD protein (p.Gly159dup), but otherwise preserves the integrity of the reading frame. This variant is present in population databases (rs796051982, gnomAD 0.009%). This variant has been observed in individual(s) with isovaleric acidemia (PMID: 31707166). This variant is also known as c.472_473insGTG (p.Ser158_Gly159insGly). ClinVar contains an entry for this variant (Variation ID: 203791). In summary, the available evidence is currently insufficient to determine the role of this variant in disease. Therefore, it has been classified as a Variant of Uncertain Significance.

Baylor Genetics
Classification: Likely pathogenic for Isovaleryl-CoA dehydrogenase deficiency. Last evaluated: 2023-11-22. Review status: criteria provided, single submitter. Criteria: ACMG Guidelines, 2015. Collection method: clinical testing. Allele origin: unknown.

Ambry Genetics
Classification: Uncertain significance for Inborn genetic diseases. Last evaluated: 2022-04-13. Review status: criteria provided, single submitter. Criteria: Ambry Variant Classification Scheme 2023. Collection method: clinical testing. Allele origin: germline.
Comment: The c.476_478dupGTG (p.G159dup) alteration is located in exon 5 (coding exon 5) of the IVD gene. The alteration consists of an in-frame duplication of 3 nucleotides from position 476 to 478, resulting in the duplication of 1 residue. Based on insufficient or conflicting evidence, the clinical significance of this alteration remains unclear.

Myriad Genetics, Inc.
Classification: Uncertain significance for Isovaleryl-CoA dehydrogenase deficiency. Last evaluated: 2021-11-03. Review status: criteria provided, single submitter. Criteria: Myriad Women's Health Autosomal Recessive and X-Linked Classification Criteria (2021). Collection method: clinical testing. Allele origin: unknown.
Comment: NM_002225.3(IVD):c.476_478dupGTG(G159dup) is an in-frame duplication classified as a variant of uncertain significance in the context of isovaleric acidemia. G159dup has been observed in cases with relevant disease (PMID: 31707166). Functional assessments of this variant are not available in the literature. G159dup has been observed in population frequency databases (gnomAD: AMR 0.01%). In summary, there is insufficient evidence to classify NM_002225.3(IVD):c.476_478dupGTG(G159dup) as pathogenic or benign. Please note: this variant was assessed in the context of healthy population screening.

Greenwood Genetic Center Diagnostic Laboratories, Greenwood Genetic Center
Classification: Uncertain significance. Last evaluated: 2020-10-09. Review status: criteria provided, single submitter. Criteria: ACMG Guidelines, 2015. Collection method: clinical testing. Allele origin: germline. Affected: yes.

GeneDx
Classification: Likely pathogenic. Last evaluated: 2014-02-07. Review status: criteria provided, single submitter. Criteria: GeneDx Variant Classification (06012015). Collection method: clinical testing. Allele origin: germline. Affected: yes.
Comment: A c.476_478dupGTG sequence change that is likely pathogenic was identified in the IVD gene. The normal sequence with the inserted bases in brackets is AGTG{GTG}AGTA. It has not been published as a mutation, nor has it been reported as a benign polymorphism to our knowledge. The insertion of three nucleotides causes a insertion of a Glycine at amino acid position 159, denoted p.Gly159ins. The Glycine at position 159 is a highly conserved residue in the IVD protein that is located within a moderately conserved region of the protein. A missense mutation at this position (G159A) has been reported in association with isovaleric acidemia. Therefore, c.476_478dupGTG is a strong candidate for a disease-causing mutation, however the possibility that it is a benign variant cannot be excluded. The variant is found in IVD panel(s).

Literature cited by the submitters: PubMed 31707166 (cited by 4 submitters).

NM_002225.5(IVD):c.464GTG[3] (p.Gly156dup)

Gene: IVD (isovaleryl-CoA dehydrogenase; plus strand). Cytogenetic location: 15q15.1.
Variant type: Microsatellite.
Coding change: c.464GTG[3] on transcript NM_002225.5 (MANE Select); three copies in a row of the 3-base unit GTG starting at c.464; the reference has two copies in a row; one copy, 3 bases duplicated; also written c.467_469dup.
Protein change: p.Gly156dup; duplicates glycine 156.
Molecular consequence: inframe insertion. On other transcripts: non-coding transcript variant (1).
Genome position (GRCh38, 1-based): chr15:40,411,270-40,411,272, GTG duplicated; duplicating any 3 consecutive bases within chr15:40,411,267-40,411,272 gives the same sequence; the position shown is the placement nearest the transcript's 3' end. VCF-style (leftmost placement, unchanged base first): chr15-40411266-A-AGTG. GRCh37 (hg19) VCF-style: chr15-40703465-A-AGTG.
Other names: c.476_478dup (NM_002225.3); c.374GTG[3], p.Gly126dup (NM_001159508.3); c.416GTG[3], p.Gly140dup (NM_001354597.3); c.464GTG[3], p.Gly156dup (NM_001354598.3, NM_001354601.3); c.551GTG[3], p.Gly185dup (NM_001354599.3, NM_001354600.3); c.467_469dup (NM_002225.5).
Identifiers: ClinVar variation 203791 (VCV000203791.17), dbSNP rs796051982, ClinGen allele CA312667.
Genomic context (GRCh38, chr15:40,411,266, plus strand): 5'-TGCTCTAGGGTACTCTGAGGTTGTAACAAGGCCTGTTGGGGGTTTTCCTTGCAGCTGATC[A>AGTG]GTGGTGAGTACATCGGAGCCCTGGCCATGAGTGAGCCCAATGCAGGCTCTGATGTTGTCT-3'